The following is an entry in ClinVar:

NM_000548.5(TSC2):c.3858G>A (p.Gln1286=)

Gene: TSC2 (TSC complex subunit 2; plus strand). Cytogenetic location: 16p13.3.
Variant type: single nucleotide variant.
Coding change: c.3858G>A on transcript NM_000548.5 (MANE Select); coding-DNA position 3858, G replaced by A.
Protein change: p.Gln1286=; no amino-acid change (glutamine 1286 retained).
Molecular consequence: synonymous variant. On other transcripts: non-coding transcript variant (1), intron variant (33).
Genome position (GRCh38, 1-based): chr16:2,082,479, G>A. VCF-style: chr16-2082479-G-A. GRCh37 (hg19) VCF-style: chr16-2132480-G-A.
Other names: c.3126G>A, p.Gln1042= (NM_001318831.2); c.3726G>A, p.Gln1242= (NM_001370404.1, NM_001406665.1); c.3729G>A, p.Gln1243= (NM_001370405.1, NM_021055.3); c.3855G>A, p.Gln1285= (NM_001406663.1); c.3258G>A, p.Gln1086= (NM_001406680.1); c.2385G>A, p.Gln795= (NM_001406690.1); c.2382G>A, p.Gln794= (NM_001406691.1); c.2341+681G>A (NM_001406693.1, NM_001406692.1, NM_001406694.1); and 25 more.
Identifiers: ClinVar variation 3371428 (VCV003371428.1).

ClinVar aggregate classification (germline): Uncertain significance (1 of 4 stars; one submission).

Submission:

GeneDx
Classification: Uncertain significance. Last evaluated: 2024-03-25. Review status: criteria provided, single submitter. Criteria: GeneDx Variant Classification Process June 2021. Collection method: clinical testing. Allele origin: germline. Affected: yes.
Comment: Not observed at significant frequency in large population cohorts (gnomAD); In silico analysis supports that this variant does not alter splicing; Has not been previously published as pathogenic or benign to our knowledge